The following is an entry in ClinVar:

NM_020433.5(JPH2):c.1917G>A (p.Lys639=)

Gene: JPH2 (junctophilin 2; minus strand). Cytogenetic location: 20q13.12.
Variant type: single nucleotide variant.
Coding change: c.1917G>A on transcript NM_020433.5 (MANE Select); coding-DNA position 1917, G replaced by A.
Protein change: p.Lys639=; no amino-acid change (lysine 639 retained).
Molecular consequence: synonymous variant.
Genome position (GRCh38, 1-based): chr20:44,115,758, C>T on the plus strand (G>A on the coding strand, the complement: JPH2 is on the minus strand). VCF-style: chr20-44115758-C-T. GRCh37 (hg19) VCF-style: chr20-42744398-C-T.
Identifiers: ClinVar variation 3020657 (VCV003020657.6), dbSNP rs1182800633, ClinGen allele CA510738805.

ClinVar aggregate classification (germline): Likely benign. Review status: criteria provided, multiple submitters, no conflicts (2 of 4 stars). 3 submissions from 3 submitters: Likely benign (2). 1 of the submissions does not count toward it. Last evaluated 2023-12-20.

Conditions:
JPH2-related disorder. Also called: JPH2-related condition.
Cardiovascular phenotype. Identifiers: MedGen CN230736.
Hypertrophic cardiomyopathy. Also called: HYPERTROPHIC MYOCARDIOPATHY. Identifiers: Orphanet 217569, MedGen C0007194, MeSH D002312, MONDO:0005045, HP:0001639.

Allele frequency attached by ClinVar (database versions not stated): TOPMed below 0.00001; gnomAD 0.00001.
gnomAD v4.1: 18 of 1,612,648 alleles (0.0011%); highest among the groups gnomAD compares: East Asian, 0.0022%; no homozygotes.

Submissions (3):

Ambry Genetics
Classification: Likely benign for Cardiovascular phenotype. Last evaluated: 2023-12-20. Review status: criteria provided, single submitter. Criteria: Ambry Variant Classification Scheme 2023. Collection method: clinical testing. Allele origin: germline.

Labcorp Genetics (formerly Invitae), Labcorp
Classification: Likely benign for Hypertrophic cardiomyopathy. Last evaluated: 2023-09-07. Review status: criteria provided, single submitter. Criteria: Invitae Variant Classification Sherloc (09022015). Collection method: clinical testing. Allele origin: germline.

PreventionGenetics, part of Exact Sciences
Classification: Likely benign for JPH2-related condition. Last evaluated: 2020-09-09. Review status: no assertion criteria provided. Collection method: clinical testing. Allele origin: germline. Not counted in ClinVar's aggregate classification.
Comment: This variant is classified as likely benign based on ACMG/AMP sequence variant interpretation guidelines (Richards et al. 2015 PMID: 25741868, with internal and published modifications).